The following is an entry in ClinVar:

ClinVar aggregate classification (germline): Likely benign. Review status: criteria provided, single submitter (1 of 4 stars). 2 submissions from 2 submitters: Likely benign (1). 1 of the submissions does not count toward it. Last evaluated 2025-04-17.

Conditions:
COL6A2-related disorder.
Bethlem myopathy 1A. Also called: MYOPATHY, BENIGN CONGENITAL, WITH CONTRACTURES; Bethlem myopathy 1; Bethlem Muscular Dystrophy. Identifiers: Orphanet 610, MedGen CN029274, MONDO:0024530, OMIM 158810.

Allele frequency attached by ClinVar (database versions not stated): gnomAD exomes 0.00001; ExAC 0.00005; gnomAD 0.00007; TOPMed 0.00008.
gnomAD v4.1: 24 of 1,609,324 alleles (0.0015%); highest among the groups gnomAD compares: African/African-American, 0.024%; no homozygotes.

Submissions (2):

Labcorp Genetics (formerly Invitae), Labcorp
Classification: Likely benign for Bethlem myopathy 1A. Last evaluated: 2025-04-17. Review status: criteria provided, single submitter. Criteria: Invitae Variant Classification Sherloc (09022015). Collection method: clinical testing. Allele origin: germline.

PreventionGenetics, part of Exact Sciences
Classification: Likely benign for COL6A2-related condition. Last evaluated: 2020-11-07. Review status: no assertion criteria provided. Collection method: clinical testing. Allele origin: germline. Not counted in ClinVar's aggregate classification.
Comment: This variant is classified as likely benign based on ACMG/AMP sequence variant interpretation guidelines (Richards et al. 2015 PMID: 25741868, with internal and published modifications).

NM_001849.4(COL6A2):c.2532G>A (p.Leu844=)

Gene: COL6A2 (collagen type VI alpha 2 chain; plus strand). Cytogenetic location: 21q22.3.
Variant type: single nucleotide variant.
Coding change: c.2532G>A on transcript NM_001849.4 (MANE Select); coding-DNA position 2532, G replaced by A.
Protein change: p.Leu844=; no amino-acid change (leucine 844 retained).
Molecular consequence: synonymous variant.
Genome position (GRCh38, 1-based): chr21:46,132,024, G>A. VCF-style: chr21-46132024-G-A. GRCh37 (hg19) VCF-style: chr21-47551938-G-A.
Identifiers: ClinVar variation 2142746 (VCV002142746.6), dbSNP rs778424865, ClinGen allele CA10072918.